The following is an entry in ClinVar:

ClinVar aggregate classification (germline): Uncertain significance. Review status: criteria provided, multiple submitters, no conflicts (2 of 4 stars). 2 submissions from 2 submitters: Uncertain significance (2). Last evaluated 2021-06-06.

Conditions:
Inborn genetic diseases. Identifiers: MedGen C0950123, MeSH D030342.

Allele frequency attached by ClinVar (database versions not stated): gnomAD exomes 0.00001; TOPMed 0.00001.
gnomAD v4.1: 10 of 1,614,082 alleles (0.00062%); highest among the groups gnomAD compares: Non-Finnish European, 0.00085%; no homozygotes.

Submissions (2):

Ambry Genetics
Classification: Uncertain significance for Inborn genetic diseases. Last evaluated: 2021-06-06. Review status: criteria provided, single submitter. Criteria: Ambry Variant Classification Scheme 2023. Collection method: clinical testing. Allele origin: germline.
Comment: The c.3341T>A (p.V1114E) alteration is located in exon 19 (coding exon 18) of the C5orf42 gene. This alteration results from a T to A substitution at nucleotide position 3341, causing the valine (V) at amino acid position 1114 to be replaced by a glutamic acid (E). The in silico prediction for the p.V1114E alteration is inconclusive. Based on insufficient or conflicting evidence, the clinical significance of this alteration remains unclear.

Eurofins Ntd Llc (ga)
Classification: Uncertain significance. Last evaluated: 2016-05-17. Review status: criteria provided, single submitter. Criteria: EGL Classification Definitions 2015. Collection method: clinical testing. Allele origin: germline. Observed: 1 variant allele, 1 heterozygote.

NM_001384732.1(CPLANE1):c.3341T>A (p.Val1114Glu)

Gene: CPLANE1 (ciliogenesis and planar polarity effector complex subunit 1; minus strand). Cytogenetic location: 5p13.2.
Variant type: single nucleotide variant.
Coding change: c.3341T>A on transcript NM_001384732.1 (MANE Select); coding-DNA position 3341, T replaced by A.
Protein change: p.Val1114Glu; replaces valine 1114 with glutamic acid.
Molecular consequence: missense variant.
Genome position (GRCh38, 1-based): chr5:37,201,757, A>T on the plus strand (T>A on the coding strand, the complement: CPLANE1 is on the minus strand). VCF-style: chr5-37201757-A-T. GRCh37 (hg19) VCF-style: chr5-37201859-A-T.
Other names: c.3341T>A, p.Val1114Glu (NM_023073.4); c.3341T>A (NM_023073.3); short protein forms V1114E.
Identifiers: ClinVar variation 288020 (VCV000288020.6), dbSNP rs746467519, ClinGen allele CA10605945.
Genomic context (GRCh38, chr5:37,201,757, plus strand): 5'-ATCAGAAGTTGAAATGTCTCCGAAAGAATATCTGCATCGGCCATAACTGATGCTTTCAGT[A>T]CTTCTTGTACTGAACCAAATAGCAGATTTGCATCTTCCTCTTCAATGGGATCTATCAAAT-3'
Protein context (NP_001371661.1, residues 1104-1124): ANLLFGSVQE[Val1114Glu]LKASVMADAD